The following is an entry in ClinVar:

ClinVar aggregate classification (germline): Uncertain significance. Review status: criteria provided, multiple submitters, no conflicts (2 of 4 stars). 6 submissions from 6 submitters: Uncertain significance (6). Last evaluated 2025-08-28.

Conditions:
Hypertrophic cardiomyopathy 4. Also called: Familial hypertrophic cardiomyopathy 4. Identifiers: MedGen C1861862, MONDO:0007268, OMIM 115197.
Hypertrophic cardiomyopathy. Also called: HYPERTROPHIC MYOCARDIOPATHY. Identifiers: Orphanet 217569, MedGen C0007194, MeSH D002312, MONDO:0005045, HP:0001639.
Left ventricular noncompaction 10 (LVNC10). Identifiers: Orphanet 154, Orphanet 54260, MedGen C3715165, MONDO:0014163, OMIM 615396.
Cardiovascular phenotype. Identifiers: MedGen CN230736.
Cardiomyopathy (CMYO). Also called: Cardiomyopathies. Identifiers: Orphanet 167848, MedGen C0878544, MONDO:0004994, HP:0001638. Inheritance: Various modes of inheritance.

Allele frequency attached by ClinVar (database versions not stated): gnomAD exomes 0.00002 and 0.00004; gnomAD 0.00003 and 0.00004; TOPMed 0.00003; ExAC 0.00008.
gnomAD v4.1: 31 of 1,606,670 alleles (0.0019%); highest among the groups gnomAD compares: African/African-American, 0.0094%; no homozygotes.

Submissions (6):

Labcorp Genetics (formerly Invitae), Labcorp
Classification: Uncertain significance for Hypertrophic cardiomyopathy. Last evaluated: 2025-08-28. Review status: criteria provided, single submitter. Criteria: Invitae Variant Classification Sherloc (09022015). Collection method: clinical testing. Allele origin: germline.
Comment: This sequence change replaces alanine, which is neutral and non-polar, with valine, which is neutral and non-polar, at codon 1151 of the MYBPC3 protein (p.Ala1151Val). The frequency data for this variant in the population databases is considered unreliable, as metrics indicate poor data quality at this position in the gnomAD database. This missense change has been observed in individuals with dilated cardiomyopathy and/or hypertrophic cardiomyopathy (PMID: 27532257, 33782553, 37652022). ClinVar contains an entry for this variant (Variation ID: 810763). An algorithm developed to predict the effect of missense changes on protein structure and function (PolyPhen-2) suggests that this variant is likely to be disruptive. In summary, the available evidence is currently insufficient to determine the role of this variant in disease. Therefore, it has been classified as a Variant of Uncertain Significance.

All of Us Research Program, National Institutes of Health
Classification: Uncertain significance for Hypertrophic cardiomyopathy. Last evaluated: 2023-12-07. Review status: criteria provided, single submitter. Criteria: ACMG Guidelines, 2015. Collection method: clinical testing. Allele origin: germline. Inheritance: Autosomal dominant inheritance. Observed: 7 variant alleles, 7 heterozygotes.
Comment: This missense variant replaces alanine with valine at codon 1151 of the MYBPC3 protein. Computational prediction is inconclusive regarding the impact of this variant on protein structure and function (internally defined REVEL score threshold 0.5 < inconclusive < 0.7, PMID: 27666373). To our knowledge, functional studies have not been reported for this variant. This variant has been reported in individuals affected with hypertrophic cardiomyopathy (PMID: 27532257, 32841044, 33782553) and in individuals affected with dilated cardiomyopathy (PMID: 31983221). This variant has been identified in 9/235592 chromosomes in the general population by the Genome Aggregation Database (gnomAD). The available evidence is insufficient to determine the role of this variant in disease conclusively. Therefore, this variant is classified as a Variant of Uncertain Significance.

This study involves interpretation of variants in research participants for the purpose of population health screening. Participant phenotype was not available at the time of variant classification. Additional details can be found in publication PMID: 35346344, PMCID: PMC8962531

Color Diagnostics, LLC DBA Color Health
Classification: Uncertain significance for Cardiomyopathy. Last evaluated: 2023-05-12. Review status: criteria provided, single submitter. Criteria: ACMG Guidelines, 2015. Collection method: clinical testing. Allele origin: germline.
Comment: This missense variant replaces alanine with valine at codon 1151 of the MYBPC3 protein. Computational prediction is inconclusive regarding the impact of this variant on protein structure and function (internally defined REVEL score threshold 0.5 < inconclusive < 0.7, PMID: 27666373). To our knowledge, functional studies have not been reported for this variant. This variant has been reported in individuals affected with hypertrophic cardiomyopathy (PMID: 27532257, 32841044, 33782553) and in individuals affected with dilated cardiomyopathy (PMID: 31983221). This variant has been identified in 9/235592 chromosomes in the general population by the Genome Aggregation Database (gnomAD). The available evidence is insufficient to determine the role of this variant in disease conclusively. Therefore, this variant is classified as a Variant of Uncertain Significance.

Fulgent Genetics
Classification: Uncertain significance for Hypertrophic cardiomyopathy 4; Left ventricular noncompaction 10. Last evaluated: 2021-09-30. Review status: criteria provided, single submitter. Criteria: ACMG Guidelines, 2015. Collection method: clinical testing. Allele origin: unknown.

Ambry Genetics
Classification: Uncertain significance for Cardiovascular phenotype. Last evaluated: 2019-05-30. Review status: criteria provided, single submitter. Criteria: Ambry Variant Classification Scheme 2023. Collection method: clinical testing. Allele origin: germline.
Comment: The p.A1151V variant (also known as c.3452C>T), located in coding exon 31 of the MYBPC3 gene, results from a C to T substitution at nucleotide position 3452. The alanine at codon 1151 is replaced by valine, an amino acid with similar properties. This variant has been reported in the Jackson Heart Study cohort and has been reported in a hypertrophic cardiomyopathy clinical genetic testing cohort; however, clinical details were limited in both studies (Bick AG et al. Am. J. Hum. Genet., 2012 Sep;91:513-9; Walsh R et al. Genet. Med., 2017 02;19:192-203). This amino acid position is not well conserved in available vertebrate species. In addition, the in silico prediction for this alteration is inconclusive. Since supporting evidence is limited at this time, the clinical significance of this alteration remains unclear.

Agnes Ginges Centre for Molecular Cardiology, Centenary Institute
Classification: Uncertain significance for Hypertrophic cardiomyopathy 4. Last evaluated: 2018-10-15. Review status: criteria provided, single submitter. Criteria: ACMG Guidelines, 2015. Collection method: research. Allele origin: germline. Inheritance: Autosomal dominant inheritance. Affected: yes.
Comment: MYBPC3 Ala1151Val has been reported in at least 1 HCM proband (Walsh R, et al., 2017) and is absent from the Genome Aggregation Database. In silico tools PolyPhen2 and MutationTaster predict this variant to be deleterious, however SIFT predicts this variant to be 'tolerated'. As such we classify this as a variant of 'uncertain significance'.

Literature cited by the submitters: PubMed 27532257 (cited by 5 submitters); PubMed 33782553 (cited by 3 submitters); PubMed 37652022 (cited by Labcorp Genetics (formerly Invitae), Labcorp); PubMed 31983221 (cited by All of Us Research Program, National Institutes of Health and Color Diagnostics, LLC DBA Color Health); PubMed 32841044 (cited by All of Us Research Program, National Institutes of Health and Color Diagnostics, LLC DBA Color Health); PubMed 22958901 (cited by Ambry Genetics).

NM_000256.3(MYBPC3):c.3452C>T (p.Ala1151Val)

Gene: MYBPC3 (myosin binding protein C3; minus strand). Cytogenetic location: 11p11.2.
Variant type: single nucleotide variant.
Coding change: c.3452C>T on transcript NM_000256.3 (MANE Select); coding-DNA position 3452, C replaced by T.
Protein change: p.Ala1151Val; replaces alanine 1151 with valine.
Molecular consequence: missense variant.
Genome position (GRCh38, 1-based): chr11:47,332,852, G>A on the plus strand (C>T on the coding strand, the complement: MYBPC3 is on the minus strand). VCF-style: chr11-47332852-G-A. GRCh37 (hg19) VCF-style: chr11-47354403-G-A.
Other names: short protein forms A1151V.
Identifiers: ClinVar variation 810763 (VCV000810763.14), dbSNP rs779884363, ClinGen allele CA079375.